The following is an entry in ClinVar:

NM_002075.4(GNB3):c.847C>T (p.Arg283Cys)

Genes: CDCA3 (cell division cycle associated 3; minus strand), GNB3 (G protein subunit beta 3; plus strand). Cytogenetic location: 12p13.31.
Variant type: single nucleotide variant.
Coding change: c.847C>T on transcript NM_002075.4 (MANE Select); coding-DNA position 847, C replaced by T.
Protein change: p.Arg283Cys; replaces arginine 283 with cysteine.
Molecular consequence: missense variant. On other transcripts: 3 prime UTR variant (1).
Genome position (GRCh38, 1-based): chr12:6,845,733, C>T. VCF-style: chr12-6845733-C-T. GRCh37 (hg19) VCF-style: chr12-6954897-C-T.
Other names: c.844C>T, p.Arg282Cys (NM_001297571.2); c.*1055G>A (NM_001297603.3); short protein forms R282C, R283C.
Identifiers: ClinVar variation 939284 (VCV000939284.11), dbSNP rs202103093, ClinGen allele CA6417680.

ClinVar aggregate classification (germline): Uncertain significance. Review status: criteria provided, multiple submitters, no conflicts (2 of 4 stars). 2 submissions from 2 submitters: Uncertain significance (2). Last evaluated 2025-08-13.

Allele frequency attached by ClinVar (database versions not stated): ExAC 0.00005; gnomAD 0.00005 and 0.00004; TOPMed 0.00007; 1000 Genomes Project 0.00020; 1000 Genomes Project 30x 0.00031.
gnomAD v4.1: 47 of 1,614,074 alleles (0.0029%); highest among the groups gnomAD compares: Admixed American, 0.022%; no homozygotes.

Submissions (2):

Labcorp Genetics (formerly Invitae), Labcorp
Classification: Uncertain significance. Last evaluated: 2025-08-13. Review status: criteria provided, single submitter. Criteria: Invitae Variant Classification Sherloc (09022015). Collection method: clinical testing. Allele origin: germline.
Comment: This sequence change replaces arginine, which is basic and polar, with cysteine, which is neutral and slightly polar, at codon 283 of the GNB3 protein (p.Arg283Cys). This variant is present in population databases (rs202103093, gnomAD 0.02%). This variant has not been reported in the literature in individuals affected with GNB3-related conditions. ClinVar contains an entry for this variant (Variation ID: 939284). Invitae Evidence Modeling of protein sequence and biophysical properties (such as structural, functional, and spatial information, amino acid conservation, physicochemical variation, residue mobility, and thermodynamic stability) indicates that this missense variant is expected to disrupt GNB3 protein function with a positive predictive value of 80%. In summary, the available evidence is currently insufficient to determine the role of this variant in disease. Therefore, it has been classified as a Variant of Uncertain Significance.

Blueprint Genetics
Classification: Uncertain significance. Last evaluated: 2024-11-04. Review status: criteria provided, single submitter. Criteria: ACMG Guidelines, 2015. Collection method: clinical testing. Allele origin: germline.